The following is an entry in ClinVar:

ClinVar aggregate classification (germline): Pathogenic (1 of 4 stars; one submission).

Conditions:
Jeune thoracic dystrophy. Also called: Short-rib thoracic dysplasia; Jeune syndrome; Infantile thoracic dystrophy; Thoracic pelvic phalangeal dystrophy; Jeune's syndrome; Chondroectodermal dysplasia-like syndrome. Identifiers: Orphanet 474, MedGen C0265275, MONDO:0018770.

Submission:

Labcorp Genetics (formerly Invitae), Labcorp
Classification: Pathogenic for Jeune thoracic dystrophy. Last evaluated: 2023-10-11. Review status: criteria provided, single submitter. Criteria: Invitae Variant Classification Sherloc (09022015). Collection method: clinical testing. Allele origin: germline.
Comment: This sequence change creates a premature translational stop signal (p.Arg2353Aspfs*6) in the DYNC2H1 gene. It is expected to result in an absent or disrupted protein product. Loss-of-function variants in DYNC2H1 are known to be pathogenic (PMID: 23339108, 32753734, 33755199). This variant is not present in population databases (gnomAD no frequency). This variant has not been reported in the literature in individuals affected with DYNC2H1-related conditions. For these reasons, this variant has been classified as Pathogenic.

Literature cited by the submitters: PubMed 23339108; PubMed 32753734; PubMed 33755199.

NM_001377.3(DYNC2H1):c.7057del (p.Arg2353fs)

Gene: DYNC2H1 (dynein cytoplasmic 2 heavy chain 1; plus strand). Cytogenetic location: 11q22.3.
Variant type: Deletion.
Coding change: c.7057del on transcript NM_001377.3 (MANE Select); coding-DNA position 7057, one base deleted (A; older notation c.7057delA).
Protein change: p.Arg2353fs; shifts the reading frame from arginine 2353.
Molecular consequence: frameshift variant.
Genome position (GRCh38, 1-based): chr11:103,187,503, A deleted; the last of 3 consecutive A bases (chr11:103,187,501-103,187,503); deleting any one gives the same sequence. VCF-style (leftmost placement, unchanged base first): chr11-103187500-GA-G. GRCh37 (hg19) VCF-style: chr11-103058229-GA-G.
Other names: c.7057del, p.Arg2353fs (NM_001080463.2); short protein forms R2353fs.
Identifiers: ClinVar variation 2767562 (VCV002767562.3), dbSNP rs2496288415, ClinGen allele CA2697548934.